The following is an entry in ClinVar:

ClinVar aggregate classification (germline): Uncertain significance (1 of 4 stars; one submission).

Conditions:
Cardiomyopathy (CMYO). Also called: Cardiomyopathies. Identifiers: Orphanet 167848, MedGen C0878544, MONDO:0004994, HP:0001638. Inheritance: Various modes of inheritance.

Submission:

All of Us Research Program, National Institutes of Health
Classification: Uncertain significance for Cardiomyopathy. Last evaluated: 2024-05-14. Review status: criteria provided, single submitter. Criteria: ACMG Guidelines, 2015. Collection method: clinical testing. Allele origin: germline. Inheritance: Autosomal dominant inheritance. Observed: 1 variant allele, 1 heterozygote.
Comment: This missense variant replaces glutamic acid with lysine at codon 1152 of the MYH7 protein. Computational prediction suggests that this variant may have deleterious impact on protein structure and function (internally defined REVEL score threshold >= 0.7, PMID: 27666373). To our knowledge, functional studies have not been reported for this variant. This variant has not been reported in individuals affected with MYH7-related disorders in the literature. This variant has not been identified in the general population by the Genome Aggregation Database (gnomAD). The available evidence is insufficient to determine the role of this variant in disease conclusively. Therefore, this variant is classified as a Variant of Uncertain Significance.

This study involves interpretation of variants in research participants for the purpose of population health screening. Participant phenotype was not available at the time of variant classification. Additional details can be found in publication PMID: 35346344, PMCID: PMC8962531

NM_000257.4(MYH7):c.3454G>A (p.Glu1152Lys)

Gene: MYH7 (myosin heavy chain 7; minus strand). Cytogenetic location: 14q11.2.
Variant type: single nucleotide variant.
Coding change: c.3454G>A on transcript NM_000257.4 (MANE Select); coding-DNA position 3454, G replaced by A.
Protein change: p.Glu1152Lys; replaces glutamic acid 1152 with lysine.
Molecular consequence: missense variant.
Genome position (GRCh38, 1-based): chr14:23,420,117, C>T on the plus strand (G>A on the coding strand, the complement: MYH7 is on the minus strand). VCF-style: chr14-23420117-C-T. GRCh37 (hg19) VCF-style: chr14-23889326-C-T.
Other names: c.3454G>A, p.Glu1152Lys (NM_001407004.1); short protein forms E1152K.
Identifiers: ClinVar variation 3387312 (VCV003387312.1).